The following is an entry in ClinVar:

NM_001271.4(CHD2):c.1052+12A>T

Gene: CHD2 (chromodomain helicase DNA binding protein 2; plus strand). Cytogenetic location: 15q26.1.
Variant type: single nucleotide variant.
Coding change: c.1052+12A>T on transcript NM_001271.4 (MANE Select); 12 bases into the intron after coding-DNA position 1052, A replaced by T.
Molecular consequence: intron variant.
Genome position (GRCh38, 1-based): chr15:92,943,080, A>T. VCF-style: chr15-92943080-A-T. GRCh37 (hg19) VCF-style: chr15-93486310-A-T.
Other names: c.1052+12A>T (NM_001042572.3).
Identifiers: ClinVar variation 508435 (VCV000508435.1), dbSNP rs1239102841, ClinGen allele CA658798444.
Genomic context (GRCh38, chr15:92,943,080, plus strand): 5'-TAAAAAAACTAGAGAACTTCAAGAAAAAAGAGGACGAAATCAAACAATGGTATATTTTCC[A>T]TCATGGATTAAAGAAATGTATTTGCAGCCTGAAAGAAGGGAAGGTTTTAAAATAATGCAT-3'

ClinVar aggregate classification (germline): Likely benign (1 of 4 stars; one submission).

Submission:

GeneDx
Classification: Likely benign. Last evaluated: 2017-03-28. Review status: criteria provided, single submitter. Criteria: GeneDx Variant Classification (06012015). Collection method: clinical testing. Allele origin: germline. Affected: yes.
Comment: This variant is considered likely benign or benign based on one or more of the following criteria: it is a conservative change, it occurs at a poorly conserved position in the protein, it is predicted to be benign by multiple in silico algorithms, and/or has population frequency not consistent with disease.